The following is an entry in ClinVar:

ClinVar aggregate classification (germline): Pathogenic (1 of 4 stars; one submission).

Conditions:
Hereditary cancer-predisposing syndrome. Also called: Neoplastic Syndromes, Hereditary; Tumor predisposition; Hereditary Cancer Syndrome; Hereditary neoplastic syndrome. Identifiers: Orphanet 140162, MedGen C0027672, MeSH D009386, MONDO:0015356.

Submission:

Ambry Genetics
Classification: Pathogenic for Hereditary cancer-predisposing syndrome. Last evaluated: 2023-03-21. Review status: criteria provided, single submitter. Criteria: Ambry Variant Classification Scheme 2023. Collection method: clinical testing. Allele origin: germline.
Comment: The c.4122delA pathogenic mutation, located in coding exon 15 of the APC gene, results from a deletion of one nucleotide at nucleotide position 4122, causing a translational frameshift with a predicted alternate stop codon (p.E1374Dfs*41). This alteration has been observed in at least one individual with a personal and/or family history that is consistent with APC-related disease (Ambry internal data). This alteration is expected to result in loss of function by premature protein truncation. This variant is considered to be rare based on population cohorts in the Genome Aggregation Database (gnomAD). As such, this alteration is interpreted as a disease-causing mutation.

NM_000038.6(APC):c.4122del (p.Glu1374fs)

Gene: APC (APC regulator of Wnt signaling pathway; plus strand). Cytogenetic location: 5q22.2.
Variant type: Deletion.
Coding change: c.4122del on transcript NM_000038.6 (MANE Select); coding-DNA position 4122, one base deleted (A; older notation c.4122delA).
Protein change: p.Glu1374fs; shifts the reading frame from glutamic acid 1374.
Molecular consequence: frameshift variant.
Genome position (GRCh38, 1-based): chr5:112,839,716, A deleted; the last of 2 consecutive A bases (chr5:112,839,715-112,839,716); deleting either gives the same sequence. VCF-style (leftmost placement, unchanged base first): chr5-112839714-GA-G. GRCh37 (hg19) VCF-style: chr5-112175411-GA-G.
Other names: c.4122del, p.Glu1374fs (NM_001127510.3, NM_001354895.2); c.4068del, p.Glu1356fs (NM_001127511.3); c.4176del, p.Glu1392fs (NM_001354896.2); c.4152del, p.Glu1384fs (NM_001354897.2); c.4047del, p.Glu1349fs (NM_001354898.2); c.4038del, p.Glu1346fs (NM_001354899.2); c.3999del, p.Glu1333fs (NM_001354900.2); c.3945del, p.Glu1315fs (NM_001354901.2); and 16 more; short protein forms E1091fs, E1273fs, E1315fs, E1333fs, E1349fs, E1384fs, E1214fs, E1283fs.
Identifiers: ClinVar variation 1738033 (VCV001738033.3), dbSNP rs2533550014, ClinGen allele CA2580072372.
Genomic context (GRCh38, chr5:112,839,714, plus strand): 5'-TTTTCTTCAGGAGCGAAATCTCCCTCCAAAAGTGGTGCTCAGACACCCAAAAGTCCACCT[GA>G]ACACTATGTTCAGGAGACCCCACTCATGTTTAGCAGATGTACTTCTGTCAGTTCACTTGA-3'